The following is an entry in ClinVar:

ClinVar aggregate classification (germline): Uncertain significance. Review status: criteria provided, multiple submitters, no conflicts (2 of 4 stars). 2 submissions from 2 submitters: Uncertain significance (2). Last evaluated 2025-08-11.

Conditions:
Primary dilated cardiomyopathy (DCM). Also called: Dilated Cardiomyopathy. Identifiers: Orphanet 217604, MedGen C0007193, MeSH D002311, MONDO:0005021, HP:0001644. Inheritance: Various modes of inheritance.

Allele frequency attached by ClinVar (database versions not stated): gnomAD 0.00003; gnomAD exomes 0.00003; TOPMed 0.00003.
gnomAD v4.1: 57 of 1,613,002 alleles (0.0035%); highest among the groups gnomAD compares: Middle Eastern, 0.016%; no homozygotes.

Submissions (2):

Labcorp Genetics (formerly Invitae), Labcorp
Classification: Uncertain significance for Primary dilated cardiomyopathy. Last evaluated: 2025-08-11. Review status: criteria provided, single submitter. Criteria: Invitae Variant Classification Sherloc (09022015). Collection method: clinical testing. Allele origin: germline.
Comment: This sequence change creates a premature translational stop signal (p.Arg547*) in the NEBL gene. It is expected to result in an absent or disrupted protein product. However, the current clinical and genetic evidence is not sufficient to establish whether loss-of-function variants in NEBL cause disease. This variant is present in population databases (rs149647815, gnomAD 0.004%). This premature translational stop signal has been observed in individual(s) with sudden infant death syndrome (PMID: 29544605). ClinVar contains an entry for this variant (Variation ID: 201903). Algorithms developed to predict the effect of sequence changes on RNA splicing suggest that this variant may disrupt the consensus splice site. In summary, the available evidence is currently insufficient to determine the role of this variant in disease. Therefore, it has been classified as a Variant of Uncertain Significance.

GeneDx
Classification: Uncertain significance. Last evaluated: 2024-09-11. Review status: criteria provided, single submitter. Criteria: GeneDx Variant Classification Process June 2021. Collection method: clinical testing. Allele origin: germline. Affected: yes.
Comment: Nonsense variant predicted to result in protein truncation or nonsense mediated decay in a gene or region of a gene for which loss of function is not a well-established mechanism of disease; Variants in candidate genes are classified as variants of uncertain significance in accordance with ACMG guidelines (PMID: 25741868); This variant is associated with the following publications: (PMID: 29544605, 25741868)

Literature cited by the submitters: PubMed 29544605 (cited by Labcorp Genetics (formerly Invitae), Labcorp).

NM_006393.3(NEBL):c.1639C>T (p.Arg547Ter)

Gene: NEBL (nebulette; minus strand). Cytogenetic location: 10p12.31.
Variant type: single nucleotide variant.
Coding change: c.1639C>T on transcript NM_006393.3 (MANE Select); coding-DNA position 1639, C replaced by T.
Protein change: p.Arg547Ter; replaces arginine 547 with a stop codon.
Molecular consequence: nonsense. On other transcripts: intron variant (9).
Genome position (GRCh38, 1-based): chr10:20,831,228, G>A on the plus strand (C>T on the coding strand, the complement: NEBL is on the minus strand). VCF-style: chr10-20831228-G-A. GRCh37 (hg19) VCF-style: chr10-21120157-G-A.
Other names: p.R547*:CGA>TGA; c.250-18288C>T (NM_001377326.1, NM_001377327.1, NM_001377328.1); c.358-18288C>T (NM_213569.2, NM_001173484.2, NM_001377322.1); c.301-18288C>T (NM_001377324.1); c.292-18288C>T (NM_001377325.1); c.310-18288C>T (NM_001377323.1); short protein forms R547*.
Identifiers: ClinVar variation 201903 (VCV000201903.14), dbSNP rs149647815, ClinGen allele CA335352.